The following is an entry in ClinVar:

NM_178012.5(TUBB2B):c.58-134C>T

Gene: TUBB2B (tubulin beta 2B class IIb; minus strand). Cytogenetic location: 6p25.2.
Variant type: single nucleotide variant.
Coding change: c.58-134C>T on transcript NM_178012.5 (MANE Select); 134 bases into the intron before coding-DNA position 58, C replaced by T.
Molecular consequence: intron variant.
Genome position (GRCh38, 1-based): chr6:3,226,803, G>A on the plus strand (C>T on the coding strand, the complement: TUBB2B is on the minus strand). VCF-style: chr6-3226803-G-A. GRCh37 (hg19) VCF-style: chr6-3227037-G-A.
Identifiers: ClinVar variation 673999 (VCV000673999.1), dbSNP rs73349465, ClinGen allele CA12424007.

ClinVar aggregate classification (germline): Benign (1 of 4 stars; one submission).

Allele frequency attached by ClinVar (database versions not stated): gnomAD 0.13778 and 0.14689; TOPMed 0.15707; 1000 Genomes Project 0.15835; 1000 Genomes Project 30x 0.16615.
gnomAD v4.1: 37,703 of 820,188 alleles (4.6%); highest among the groups gnomAD compares: African/African-American, 45%; 6,532 homozygotes.

Submission:

GeneDx
Classification: Benign. Last evaluated: 2018-06-14. Review status: criteria provided, single submitter. Criteria: GeneDx Variant Classification (06012015). Collection method: clinical testing. Allele origin: germline. Affected: yes.
Comment: This variant is considered likely benign or benign based on one or more of the following criteria: it is a conservative change, it occurs at a poorly conserved position in the protein, it is predicted to be benign by multiple in silico algorithms, and/or has population frequency not consistent with disease.